The following is an entry in ClinVar:

ClinVar aggregate classification (germline): Conflicting classifications of pathogenicity. Review status: criteria provided, conflicting classifications (1 of 4 stars). 3 submissions from 3 submitters: Uncertain significance (2); Likely benign (1). Last evaluated 2025-08-30.

Conditions:
Inborn genetic diseases. Identifiers: MedGen C0950123, MeSH D030342.

Allele frequency attached by ClinVar (database versions not stated): gnomAD exomes below 0.00001 and 0.00001; ExAC 0.00002; gnomAD 0.00006; TOPMed 0.00006; ESP Exome Variant Server 0.00008.
gnomAD v4.1: 10 of 1,613,672 alleles (0.00062%); highest among the groups gnomAD compares: African/African-American, 0.012%; no homozygotes.

Submissions (3):

Ambry Genetics
Classification: Likely benign for Inborn genetic diseases. Last evaluated: 2025-08-30. Review status: criteria provided, single submitter. Criteria: Ambry Variant Classification Scheme 2023. Collection method: clinical testing. Allele origin: germline.

Labcorp Genetics (formerly Invitae), Labcorp
Classification: Uncertain significance. Last evaluated: 2022-10-13. Review status: criteria provided, single submitter. Criteria: Invitae Variant Classification Sherloc (09022015). Collection method: clinical testing. Allele origin: germline.
Comment: In summary, the available evidence is currently insufficient to determine the role of this variant in disease. Therefore, it has been classified as a Variant of Uncertain Significance. Algorithms developed to predict the effect of missense changes on protein structure and function output the following: SIFT: "Tolerated"; PolyPhen-2: "Benign"; Align-GVGD: "Class C0". The alanine amino acid residue is found in multiple mammalian species, which suggests that this missense change does not adversely affect protein function. ClinVar contains an entry for this variant (Variation ID: 1437483). This variant has not been reported in the literature in individuals affected with VCAN-related conditions. This variant is present in population databases (rs368636311, gnomAD 0.02%). This sequence change replaces valine, which is neutral and non-polar, with alanine, which is neutral and non-polar, at codon 1504 of the VCAN protein (p.Val1504Ala).

Blueprint Genetics
Classification: Uncertain significance. Last evaluated: 2021-11-12. Review status: criteria provided, single submitter. Criteria: ACMG Guidelines, 2015. Collection method: clinical testing. Allele origin: germline.

NM_004385.5(VCAN):c.4511T>C (p.Val1504Ala)

Genes: VCAN (versican; plus strand), VCAN-AS1 (VCAN antisense RNA 1; minus strand). Cytogenetic location: 5q14.3.
Variant type: single nucleotide variant.
Coding change: c.4511T>C on transcript NM_004385.5 (MANE Select); coding-DNA position 4511, T replaced by C.
Protein change: p.Val1504Ala; replaces valine 1504 with alanine.
Molecular consequence: missense variant. On other transcripts: intron variant (2).
Genome position (GRCh38, 1-based): chr5:83,537,514, T>C. VCF-style: chr5-83537514-T-C. GRCh37 (hg19) VCF-style: chr5-82833333-T-C.
Other names: c.1550T>C, p.Val517Ala (NM_001164097.2); c.4004-8023T>C (NM_001164098.2); c.1043-8023T>C (NM_001126336.3); c.4511T>C (NM_004385.4); short protein forms V1504A, V517A.
Identifiers: ClinVar variation 1437483 (VCV001437483.8), dbSNP rs368636311, ClinGen allele CA3333185.